The following is an entry in ClinVar:

NM_001348946.2(ABCB1):c.2650C>T (p.Leu884=)

Gene: ABCB1 (ATP binding cassette subfamily B member 1; minus strand). Cytogenetic location: 7q21.12.
Variant type: single nucleotide variant.
Coding change: c.2650C>T on transcript NM_001348946.2 (MANE Select); coding-DNA position 2650, C replaced by T.
Protein change: p.Leu884=; no amino-acid change (leucine 884 retained).
Molecular consequence: synonymous variant.
Genome position (GRCh38, 1-based): chr7:87,531,329, G>A on the plus strand (C>T on the coding strand, the complement: ABCB1 is on the minus strand). VCF-style: chr7-87531329-G-A. GRCh37 (hg19) VCF-style: chr7-87160645-G-A.
Other names: c.2650C>T, p.Leu884= (NM_000927.5, NM_001348944.2); c.2860C>T, p.Leu954= (NM_001348945.2).
Identifiers: ClinVar variation 781912 (VCV000781912.29), dbSNP rs9282563, ClinGen allele CA4327994.

ClinVar aggregate classification (germline): Benign/Likely benign. Review status: criteria provided, multiple submitters, no conflicts (2 of 4 stars). 3 submissions from 3 submitters: Benign (1); Likely benign (2). Last evaluated 2023-05-01.

Allele frequency attached by ClinVar (database versions not stated): 1000 Genomes Project 0.00100; 1000 Genomes Project 30x 0.00109; ExAC 0.00321; gnomAD exomes 0.00344 and 0.00573; gnomAD 0.00367 and 0.00369; TOPMed 0.00376; ESP Exome Variant Server 0.00377.

Submissions (3):

CeGaT Center for Human Genetics Tuebingen
Classification: Likely benign. Last evaluated: 2023-05-01. Review status: criteria provided, single submitter. Criteria: CeGaT Center For Human Genetics Tuebingen Variant Classification Criteria Version 2. Collection method: clinical testing. Allele origin: germline. Affected: yes. Observed: 2 variant alleles.
Comment: ABCB1: BP4

Ambry Genetics
Classification: Likely benign. Last evaluated: 2022-02-17. Review status: criteria provided, single submitter. Criteria: Ambry Variant Classification Scheme 2023. Collection method: clinical testing. Allele origin: germline.

Labcorp Genetics (formerly Invitae), Labcorp
Classification: Benign. Last evaluated: 2018-07-13. Review status: criteria provided, single submitter. Criteria: Invitae Variant Classification Sherloc (09022015). Collection method: clinical testing. Allele origin: germline.